The following is an entry in ClinVar:

NM_000548.5(TSC2):c.2046G>A (p.Gly682=)

Gene: TSC2 (TSC complex subunit 2; plus strand). Cytogenetic location: 16p13.3.
Variant type: single nucleotide variant.
Coding change: c.2046G>A on transcript NM_000548.5 (MANE Select); coding-DNA position 2046, G replaced by A.
Protein change: p.Gly682=; no amino-acid change (glycine 682 retained).
Molecular consequence: synonymous variant.
Genome position (GRCh38, 1-based): chr16:2,071,883, G>A. VCF-style: chr16-2071883-G-A. GRCh37 (hg19) VCF-style: chr16-2121884-G-A.
Other names: c.2046G>A, p.Gly682= (NM_001077183.3, NM_001114382.3, NM_001363528.2 and 3 more transcripts); c.1935G>A, p.Gly645= (NM_001318827.2); c.1899G>A, p.Gly633= (NM_001318829.2); c.1446G>A, p.Gly482= (NM_001318831.2); c.2079G>A, p.Gly693= (NM_001318832.2); c.2046G>A (NM_000548.4).
Identifiers: ClinVar variation 237978 (VCV000237978.31), dbSNP rs749536123, ClinGen allele CA036009.

ClinVar aggregate classification (germline): Benign/Likely benign. Review status: criteria provided, multiple submitters, no conflicts (2 of 4 stars). 10 submissions from 10 submitters: Benign (4); Likely benign (5). 1 of the submissions does not count toward it. Last evaluated 2026-08-01.

Conditions:
TSC2-related disorder. Also called: TSC2-related condition; TSC2-Related Disorders.
Lymphangiomyomatosis (LAM). Also called: Lymphangioleiomyomatosis; Lymphangioleiomyomatosis, somatic. Identifiers: Orphanet 538, MedGen C0751674, MONDO:0011705, OMIM 606690.
Tuberous sclerosis 2 (TSC2). Identifiers: Orphanet 805, MedGen C1860707, MONDO:0013199, OMIM 613254.
Isolated focal cortical dysplasia type II (FCORD2). Also called: CORTICAL DYSPLASIA OF TAYLOR; Focal cortical dysplasia type II. Identifiers: Orphanet 268994, MedGen C1846385, MONDO:0011818, OMIM 607341, HP:0032051.
Hereditary cancer-predisposing syndrome. Also called: Hereditary neoplastic syndrome; Hereditary Cancer Syndrome; Neoplastic Syndromes, Hereditary; Tumor predisposition. Identifiers: Orphanet 140162, MedGen C0027672, MeSH D009386, MONDO:0015356.
Tuberous sclerosis syndrome (TSC). Also called: Tuberous Sclerosis Complex; Tuberous sclerosis. Identifiers: Orphanet 805, MedGen C0041341, MONDO:0001734.

Allele frequency attached by ClinVar (database versions not stated): gnomAD 0.00001; gnomAD exomes 0.00001 and 0.00003; ExAC 0.00002; TOPMed 0.00003.
gnomAD v4.1: 19 of 1,597,462 alleles (0.0012%); highest among the groups gnomAD compares: Admixed American, 0.01%; no homozygotes.

Submissions (10):

CeGaT Center for Human Genetics Tuebingen
Classification: Likely benign. Last evaluated: 2026-08-01. Review status: criteria provided, single submitter. Criteria: CeGaT Center For Human Genetics Tuebingen Variant Classification Criteria Version 2. Collection method: clinical testing. Allele origin: germline. Affected: yes. Observed: 3 variant alleles.
Comment: TSC2: BP4, BP7

Labcorp Genetics (formerly Invitae), Labcorp
Classification: Benign for Tuberous sclerosis 2. Last evaluated: 2026-02-01. Review status: criteria provided, single submitter. Criteria: Invitae Variant Classification Sherloc (09022015). Collection method: clinical testing. Allele origin: germline.

Myriad Genetics, Inc.
Classification: Benign for Tuberous sclerosis 2. Last evaluated: 2025-05-16. Review status: criteria provided, single submitter. Criteria: Myriad Autosomal Dominant, Autosomal Recessive and X-Linked Classification Criteria (2023). Collection method: clinical testing. Allele origin: unknown.
Comment: This variant is considered benign. This variant is a silent/synonymous amino acid change and it is not expected to impact splicing.

All of Us Research Program, National Institutes of Health
Classification: Benign for Tuberous sclerosis syndrome. Last evaluated: 2024-02-05. Review status: criteria provided, single submitter. Criteria: ACMG Guidelines, 2015. Collection method: clinical testing. Allele origin: germline. Inheritance: Autosomal dominant inheritance. Observed: 7 variant alleles, 7 heterozygotes.
Comment: This study involves interpretation of variants in research participants for the purpose of population health screening. Participant phenotype was not available at the time of variant classification. Additional details can be found in publication PMID: 35346344, PMCID: PMC8962531

Quest Diagnostics Nichols Institute San Juan Capistrano
Classification: Likely benign. Last evaluated: 2023-06-01. Review status: criteria provided, single submitter. Criteria: Quest Diagnostics criteria. Collection method: clinical testing. Allele origin: unknown.
Comment: The frequency of this variant in the general population is higher than would generally be expected for pathogenic variants in this gene. Computational tools yielded predictions that this variant is unlikely to have an effect on normal RNA splicing. This nucleotide position exhibits low evolutionary conservation.

Fulgent Genetics
Classification: Likely benign for Lymphangiomyomatosis; Isolated focal cortical dysplasia type II; Tuberous sclerosis 2. Last evaluated: 2022-03-16. Review status: criteria provided, single submitter. Criteria: ACMG Guidelines, 2015. Collection method: clinical testing. Allele origin: unknown.

Genome-Nilou Lab
Classification: Benign for Tuberous sclerosis 2. Last evaluated: 2021-11-07. Review status: criteria provided, single submitter. Criteria: ACMG Guidelines, 2015. Collection method: clinical testing. Allele origin: germline. Affected: no.

GeneDx
Classification: Likely benign. Last evaluated: 2020-08-25. Review status: criteria provided, single submitter. Criteria: GeneDx Variant Classification Process June 2021. Collection method: clinical testing. Allele origin: germline. Affected: yes.

Ambry Genetics
Classification: Likely benign for Hereditary cancer-predisposing syndrome. Last evaluated: 2016-01-14. Review status: criteria provided, single submitter. Criteria: Ambry Variant Classification Scheme 2023. Collection method: clinical testing. Allele origin: germline.

PreventionGenetics, part of Exact Sciences
Classification: Likely benign for TSC2-related condition. Last evaluated: 2021-02-10. Review status: no assertion criteria provided. Collection method: clinical testing. Allele origin: germline. Not counted in ClinVar's aggregate classification.
Comment: This variant is classified as likely benign based on ACMG/AMP sequence variant interpretation guidelines (Richards et al. 2015 PMID: 25741868, with internal and published modifications).